The following is an entry in ClinVar:

NM_001399.5(EDA):c.803G>T (p.Gly268Val)

Gene: EDA (ectodysplasin A; plus strand). Cytogenetic location: Xq13.1.
Variant type: single nucleotide variant.
Coding change: c.803G>T on transcript NM_001399.5 (MANE Select); coding-DNA position 803, G replaced by T.
Protein change: p.Gly268Val; replaces glycine 268 with valine.
Molecular consequence: missense variant.
Genome position (GRCh38, 1-based): chrX:70,033,407, G>T. VCF-style: chrX-70033407-G-T. GRCh37 (hg19) VCF-style: chrX-69253257-G-T.
Other names: c.803G>T, p.Gly268Val (NM_001005609.2); c.794G>T, p.Gly265Val (NM_001005612.3); short protein forms G268V, G265V.
Identifiers: ClinVar variation 2816320 (VCV002816320.4), dbSNP rs755104304, ClinGen allele CA413448777.

ClinVar aggregate classification (germline): Uncertain significance (1 of 4 stars; one submission).

Conditions:
Hypohidrotic X-linked ectodermal dysplasia (XHED). Also called: ECTODERMAL DYSPLASIA, HYPOHIDROTIC, 1; CST SYNDROME; Ectodermal Dysplasia 1, Anhidrotic; Christ-Siemans-Touraine syndrome; ECTODERMAL DYSPLASIA 1, HYPOHIDROTIC, X-LINKED; ECTODERMAL DYSPLASIA 1. Identifiers: Orphanet 181, Orphanet 238468, MedGen C0162359, MONDO:0010585, OMIM 305100.

Submissions (2):

Labcorp Genetics (formerly Invitae), Labcorp
Classification: Uncertain significance for Hypohidrotic X-linked ectodermal dysplasia. Last evaluated: 2022-12-14. Review status: criteria provided, single submitter. Criteria: Invitae Variant Classification Sherloc (09022015). Collection method: clinical testing. Allele origin: germline.
Comment: This sequence change replaces glycine, which is neutral and non-polar, with valine, which is neutral and non-polar, at codon 268 of the EDA protein (p.Gly268Val). In summary, the available evidence is currently insufficient to determine the role of this variant in disease. Therefore, it has been classified as a Variant of Uncertain Significance. Algorithms developed to predict the effect of sequence changes on RNA splicing suggest that this variant may disrupt the consensus splice site. Advanced modeling of protein sequence and biophysical properties (such as structural, functional, and spatial information, amino acid conservation, physicochemical variation, residue mobility, and thermodynamic stability) performed at Invitae indicates that this missense variant is expected to disrupt EDA protein function. This missense change has been observed in individual(s) with clinical features of EDA-related conditions (Invitae). This variant is not present in population databases (gnomAD no frequency).

Dr. Peter K. Rogan Lab, Western University
No classification provided (evidence only). Condition: Thyroid cancer, nonmedullary, 1. Review status: no classification provided. Collection method: in vitro. Allele origin: not applicable. Functional consequence: skipped exon. Not counted in ClinVar's aggregate classification.